The following is an entry in ClinVar:

NM_003105.6(SORL1):c.5729G>A (p.Arg1910His)

Gene: SORL1 (sortilin related receptor 1; plus strand). Cytogenetic location: 11q24.1.
Variant type: single nucleotide variant.
Coding change: c.5729G>A on transcript NM_003105.6 (MANE Select); coding-DNA position 5729, G replaced by A.
Protein change: p.Arg1910His; replaces arginine 1910 with histidine.
Molecular consequence: missense variant.
Genome position (GRCh38, 1-based): chr11:121,619,757, G>A. VCF-style: chr11-121619757-G-A. GRCh37 (hg19) VCF-style: chr11-121490466-G-A.
Other names: short protein forms R1910H.
Identifiers: ClinVar variation 1916711 (VCV001916711.7), dbSNP rs537754202, ClinGen allele CA6330058.
Genomic context (GRCh38, chr11:121,619,757, plus strand): 5'-AAGATTGCATAAGGCCATGATGTATTTTTTTTCCTACGTGTGTGCTTGGGCTTCAGGTCC[G>A]TGTAGTGGTACCCTACCAGGGGCCATCCTCTGACTACGTTGTAGTGAAGATGATCCCGGA-3'
Protein context (NP_003096.2, residues 1900-1920): SKDEQYLFLV[Arg1910His]VVVPYQGPSS

ClinVar aggregate classification (germline): Uncertain significance. Review status: criteria provided, multiple submitters, no conflicts (2 of 4 stars). 2 submissions from 2 submitters: Uncertain significance (2). Last evaluated 2025-05-14.

Allele frequency attached by ClinVar (database versions not stated): ExAC 0.00002; gnomAD exomes 0.00002; TOPMed 0.00002; gnomAD 0.00003; 1000 Genomes Project 0.00020; 1000 Genomes Project 30x 0.00031.
gnomAD v4.1: 30 of 1,613,550 alleles (0.0019%); highest among the groups gnomAD compares: South Asian, 0.016%; 1 homozygote.

Submissions (2):

Ambry Genetics
Classification: Uncertain significance. Last evaluated: 2025-05-14. Review status: criteria provided, single submitter. Criteria: Ambry Variant Classification Scheme 2023. Collection method: clinical testing. Allele origin: germline.

Labcorp Genetics (formerly Invitae), Labcorp
Classification: Uncertain significance. Last evaluated: 2023-12-11. Review status: criteria provided, single submitter. Criteria: Invitae Variant Classification Sherloc (09022015). Collection method: clinical testing. Allele origin: germline.
Comment: This sequence change replaces arginine, which is basic and polar, with histidine, which is basic and polar, at codon 1910 of the SORL1 protein (p.Arg1910His). This variant is present in population databases (rs537754202, gnomAD 0.02%). This variant has not been reported in the literature in individuals affected with SORL1-related conditions. ClinVar contains an entry for this variant (Variation ID: 1916711). An algorithm developed to predict the effect of missense changes on protein structure and function (PolyPhen-2) suggests that this variant is likely to be disruptive. In summary, the available evidence is currently insufficient to determine the role of this variant in disease. Therefore, it has been classified as a Variant of Uncertain Significance.